The following is an entry in ClinVar:

ClinVar aggregate classification (germline): Uncertain significance. Review status: criteria provided, multiple submitters, no conflicts (2 of 4 stars). 2 submissions from 2 submitters: Uncertain significance (2). Last evaluated 2025-07-10.

Conditions:
Charcot-Marie-Tooth disease axonal type 2O. Also called: Charcot-Marie-Tooth disease, axonal, type 20; CHARCOT-MARIE-TOOTH NEUROPATHY, AXONAL, TYPE 2O; CHARCOT-MARIE-TOOTH DISEASE, AXONAL, AUTOSOMAL DOMINANT, TYPE 2O; Charcot-Marie-Tooth Neuropathy Type 2O. Identifiers: Orphanet 284232, MedGen C3280220, MONDO:0013644, OMIM 614228.

Allele frequency attached by ClinVar (database versions not stated): gnomAD exomes below 0.00001.
gnomAD v4.1: 1 of 1,614,026 alleles (0.000062%); highest among the groups gnomAD compares: Non-Finnish European, 0.000085%; no homozygotes.

Submissions (2):

GeneDx
Classification: Uncertain significance. Last evaluated: 2025-07-10. Review status: criteria provided, single submitter. Criteria: GeneDx Variant Classification Process June 2021. Collection method: clinical testing. Allele origin: germline. Affected: yes.
Comment: Not observed at significant frequency in large population cohorts (gnomAD); In silico analysis supports that this missense variant has a deleterious effect on protein structure/function; Has not been previously published as pathogenic or benign to our knowledge; This variant is associated with the following publications: (PMID: 25512093, 25609763, 26100331)

Labcorp Genetics (formerly Invitae), Labcorp
Classification: Uncertain significance for Charcot-Marie-Tooth disease axonal type 2O. Last evaluated: 2023-11-02. Review status: criteria provided, single submitter. Criteria: Invitae Variant Classification Sherloc (09022015). Collection method: clinical testing. Allele origin: germline.
Comment: This sequence change replaces histidine, which is basic and polar, with tyrosine, which is neutral and polar, at codon 3155 of the DYNC1H1 protein (p.His3155Tyr). This variant is not present in population databases (gnomAD no frequency). This variant has not been reported in the literature in individuals affected with DYNC1H1-related conditions. Advanced modeling of protein sequence and biophysical properties (such as structural, functional, and spatial information, amino acid conservation, physicochemical variation, residue mobility, and thermodynamic stability) performed at Invitae indicates that this missense variant is not expected to disrupt DYNC1H1 protein function with a negative predictive value of 95%. In summary, the available evidence is currently insufficient to determine the role of this variant in disease. Therefore, it has been classified as a Variant of Uncertain Significance.

NM_001376.5(DYNC1H1):c.9463C>T (p.His3155Tyr)

Genes: DYNC1H1 (dynein cytoplasmic 1 heavy chain 1; plus strand), LOC126862060 (BRD4-independent group 4 enhancer GRCh37_chr14:102493659-102494858; plus strand). Cytogenetic location: 14q32.31.
Variant type: single nucleotide variant.
Coding change: c.9463C>T on transcript NM_001376.5 (MANE Select); coding-DNA position 9463, C replaced by T.
Protein change: p.His3155Tyr; replaces histidine 3155 with tyrosine.
Molecular consequence: missense variant.
Genome position (GRCh38, 1-based): chr14:102,028,136, C>T. VCF-style: chr14-102028136-C-T. GRCh37 (hg19) VCF-style: chr14-102494473-C-T.
Other names: short protein forms H3155Y.
Identifiers: ClinVar variation 2721256 (VCV002721256.5), dbSNP rs2503806489, ClinGen allele CA391014782.